The following is an entry in ClinVar:

ClinVar aggregate classification (germline): Uncertain significance (1 of 4 stars; one submission).

gnomAD v4.1: 27 of 1,613,960 alleles (0.0017%); highest among the groups gnomAD compares: South Asian, 0.014%; no homozygotes.

Submission:

Labcorp Genetics (formerly Invitae), Labcorp
Classification: Uncertain significance. Last evaluated: 2024-06-08. Review status: criteria provided, single submitter. Criteria: Invitae Variant Classification Sherloc (09022015). Collection method: clinical testing. Allele origin: germline.
Comment: This sequence change replaces methionine, which is neutral and non-polar, with valine, which is neutral and non-polar, at codon 482 of the FGB protein (p.Met482Val). This variant is present in population databases (rs765571602, gnomAD 0.03%). This variant has not been reported in the literature in individuals affected with FGB-related conditions. Advanced modeling of protein sequence and biophysical properties (such as structural, functional, and spatial information, amino acid conservation, physicochemical variation, residue mobility, and thermodynamic stability) performed at Invitae indicates that this missense variant is not expected to disrupt FGB protein function with a negative predictive value of 80%. In summary, the available evidence is currently insufficient to determine the role of this variant in disease. Therefore, it has been classified as a Variant of Uncertain Significance.

NM_005141.5(FGB):c.1444A>G (p.Met482Val)

Gene: FGB (fibrinogen beta chain; plus strand). Cytogenetic location: 4q31.3.
Variant type: single nucleotide variant.
Coding change: c.1444A>G on transcript NM_005141.5 (MANE Select); coding-DNA position 1444, A replaced by G.
Protein change: p.Met482Val; replaces methionine 482 with valine.
Molecular consequence: missense variant. On other transcripts: 3 prime UTR variant (2).
Genome position (GRCh38, 1-based): chr4:154,570,618, A>G. VCF-style: chr4-154570618-A-G. GRCh37 (hg19) VCF-style: chr4-155491770-A-G.
Other names: c.1267A>G, p.Met423Val (NM_001184741.1); c.1312A>G, p.Met438Val (NM_001382759.1); c.1246A>G, p.Met416Val (NM_001382760.1); c.*109A>G (NM_001382761.1); c.1144A>G, p.Met382Val (NM_001382762.1); c.1435A>G, p.Met479Val (NM_001382763.1); c.*218A>G (NM_001382764.1); c.1420A>G, p.Met474Val (NM_001382765.1); short protein forms M438V, M479V, M416V, M474V, M482V, M423V, M382V.
Identifiers: ClinVar variation 3653691 (VCV003653691.2).